The following is an entry in ClinVar:

ClinVar aggregate classification (germline): Uncertain significance. Review status: criteria provided, multiple submitters, no conflicts (2 of 4 stars). 2 submissions from 2 submitters: Uncertain significance (2). Last evaluated 2023-03-06.

Conditions:
Hereditary cancer-predisposing syndrome. Also called: Hereditary Cancer Syndrome; Tumor predisposition; Hereditary neoplastic syndrome; Neoplastic Syndromes, Hereditary. Identifiers: Orphanet 140162, MedGen C0027672, MeSH D009386, MONDO:0015356.
Hereditary breast ovarian cancer syndrome. Also called: Hereditary breast and ovarian cancer syndrome (HBOC); Breast and ovarian cancer; Hereditary breast and ovarian cancer syndrome; Hereditary breast and ovarian cancer; Hereditary breast and/or ovarian cancer syndrome; BRCA1- and BRCA2-Associated Hereditary Breast and Ovarian Cancer. Identifiers: Orphanet 145, MedGen C0677776, MeSH D061325, MONDO:0003582. Disease mechanism: loss of function.

Submissions (2):

Ambry Genetics
Classification: Uncertain significance for Hereditary cancer-predisposing syndrome. Last evaluated: 2023-03-06. Review status: criteria provided, single submitter. Criteria: Ambry Variant Classification Scheme 2023. Collection method: clinical testing. Allele origin: germline.
Comment: The p.M1628I variant (also known as c.4884G>A), located in coding exon 14 of the BRCA1 gene, results from a G to A substitution at nucleotide position 4884. The methionine at codon 1628 is replaced by isoleucine, an amino acid with highly similar properties. This variant had 89.9% of wildtype activity in a transcription activation assay (Woods NT et al. NPJ Genom Med, 2016 Mar;1:16001-). This amino acid position is poorly conserved in available vertebrate species. In addition, this alteration is predicted to be tolerated by in silico analysis. Since supporting evidence is limited at this time, the clinical significance of this alteration remains unclear.

Labcorp Genetics (formerly Invitae), Labcorp
Classification: Uncertain significance for Hereditary breast ovarian cancer syndrome. Last evaluated: 2020-10-27. Review status: criteria provided, single submitter. Criteria: Invitae Variant Classification Sherloc (09022015). Collection method: clinical testing. Allele origin: germline.
Comment: Experimental studies have shown that this variant does not substantially affect BRCA1 protein function (PMID: 28781887). In summary, the available evidence is currently insufficient to determine the role of this variant in disease. Therefore, it has been classified as a Variant of Uncertain Significance. Advanced modeling of protein sequence and biophysical properties (such as structural, functional, and spatial information, amino acid conservation, physicochemical variation, residue mobility, and thermodynamic stability) performed at Invitae indicates that this missense variant is not expected to disrupt BRCA1 protein function. This variant has not been reported in the literature in individuals with BRCA1-related conditions. This variant is not present in population databases (ExAC no frequency). This sequence change replaces methionine with isoleucine at codon 1628 of the BRCA1 protein (p.Met1628Ile). The methionine residue is weakly conserved and there is a small physicochemical difference between methionine and isoleucine.

Literature cited by the submitters: PubMed 28781887 (cited by Ambry Genetics and Labcorp Genetics (formerly Invitae), Labcorp); PubMed 35665744 (cited by Ambry Genetics).

NM_007294.4(BRCA1):c.4884G>A (p.Met1628Ile)

Gene: BRCA1 (BRCA1 DNA repair associated; minus strand). Cytogenetic location: 17q21.31.
Variant type: single nucleotide variant.
Coding change: c.4884G>A on transcript NM_007294.4 (MANE Select); coding-DNA position 4884, G replaced by A.
Protein change: p.Met1628Ile; replaces methionine 1628 with isoleucine.
Molecular consequence: missense variant. On other transcripts: non-coding transcript variant (1).
Genome position (GRCh38, 1-based): chr17:43,071,030, C>T on the plus strand (G>A on the coding strand, the complement: BRCA1 is on the minus strand). VCF-style: chr17-43071030-C-T. GRCh37 (hg19) VCF-style: chr17-41223047-C-T.
Other names: c.4737G>A, p.Met1579Ile (NM_001407849.1, NM_001407850.1, NM_001407851.1 and 12 more transcripts); c.4884G>A, p.Met1628Ile (NM_001407854.1, NM_001407593.1, NM_001407594.1 and 8 more transcripts); c.4881G>A, p.Met1627Ile (NM_001407858.1, NM_001407859.1, NM_001407860.1 and 17 more transcripts); c.4878G>A, p.Met1626Ile (NM_001407861.1, NM_001407627.1, NM_001407628.1 and 14 more transcripts); c.4683G>A, p.Met1561Ile (NM_001407862.1); c.4758G>A, p.Met1586Ile (NM_001407863.1, NM_001407939.1, NM_001407940.1 and 11 more transcripts); c.4677G>A, p.Met1559Ile (NM_001407874.1, NM_001407875.1); c.4674G>A, p.Met1558Ile (NM_001407879.1, NM_001407881.1, NM_001407882.1 and 5 more transcripts); and 70 more; short protein forms M1628I, M1581I, M524I, M1649I, M1459I, M1474I, M1517I, M1540I.
Identifiers: ClinVar variation 1043747 (VCV001043747.12), dbSNP rs80357158, ClinGen allele CA10591761.